The following is an entry in ClinVar:

ClinVar aggregate classification (germline): Uncertain significance. Review status: criteria provided, multiple submitters, no conflicts (2 of 4 stars). 3 submissions from 3 submitters: Uncertain significance (3). Last evaluated 2025-02-06.

Conditions:
Nephrolithiasis/nephrocalcinosis. Identifiers: MedGen CN580796.
Familial hypocalciuric hypercalcemia (FHH). Also called: Familial benign hypercalcemia. Identifiers: Orphanet 405, MedGen C1809471, MONDO:0018458.
Autosomal dominant hypocalcemia 1 (HYPOC1). Also called: HYPOCALCEMIA, FAMILIAL. Identifiers: MedGen C3715128, MONDO:0011013, OMIM 601198.
Familial hypocalciuric hypercalcemia 1. Also called: Hypercalcemia, familial benign type 1. Identifiers: Orphanet 405, Orphanet 93372, MedGen C0342637, MONDO:0007791, OMIM 145980.
Neonatal severe primary hyperparathyroidism. Identifiers: Orphanet 417, MedGen C1832615, MONDO:0009397, OMIM 239200.
Epilepsy, idiopathic generalized, susceptibility to, 8. Identifiers: MedGen C2752062, MONDO:0013032, OMIM 612899.

Allele frequency attached by ClinVar (database versions not stated): TOPMed below 0.00001; gnomAD 0.00001.
gnomAD v4.1: 1 of 1,614,014 alleles (0.000062%); highest among the groups gnomAD compares: Non-Finnish European, 0.000085%; no homozygotes.

Submissions (3):

Labcorp Genetics (formerly Invitae), Labcorp
Classification: Uncertain significance for Familial hypocalciuric hypercalcemia; Autosomal dominant hypocalcemia 1. Last evaluated: 2025-02-06. Review status: criteria provided, single submitter. Criteria: Invitae Variant Classification Sherloc (09022015). Collection method: clinical testing. Allele origin: germline.
Comment: This sequence change replaces glutamine, which is neutral and polar, with proline, which is neutral and non-polar, at codon 940 of the CASR protein (p.Gln940Pro). This variant is not present in population databases (gnomAD no frequency). This variant has not been reported in the literature in individuals affected with CASR-related conditions. ClinVar contains an entry for this variant (Variation ID: 999136). An algorithm developed to predict the effect of missense changes on protein structure and function outputs the following: PolyPhen-2: "Benign". The proline amino acid residue is found in multiple mammalian species, which suggests that this missense change does not adversely affect protein function. In summary, the available evidence is currently insufficient to determine the role of this variant in disease. Therefore, it has been classified as a Variant of Uncertain Significance.

Ambry Genetics
Classification: Uncertain significance for Nephrolithiasis/nephrocalcinosis. Last evaluated: 2024-03-27. Review status: criteria provided, single submitter. Criteria: Ambry Variant Classification Scheme 2023. Collection method: clinical testing. Allele origin: germline.

Fulgent Genetics
Classification: Uncertain significance for Familial hypocalciuric hypercalcemia 1; Neonatal severe primary hyperparathyroidism; Autosomal dominant hypocalcemia 1; Epilepsy, idiopathic generalized, susceptibility to, 8. Last evaluated: 2022-02-16. Review status: criteria provided, single submitter. Criteria: ACMG Guidelines, 2015. Collection method: clinical testing. Allele origin: unknown.

NM_000388.4(CASR):c.2819A>C (p.Gln940Pro)

Gene: CASR (calcium sensing receptor; plus strand). Cytogenetic location: 3q21.1.
Variant type: single nucleotide variant.
Coding change: c.2819A>C on transcript NM_000388.4 (MANE Select); coding-DNA position 2819, A replaced by C.
Protein change: p.Gln940Pro; replaces glutamine 940 with proline.
Molecular consequence: missense variant.
Genome position (GRCh38, 1-based): chr3:122,284,773, A>C. VCF-style: chr3-122284773-A-C. GRCh37 (hg19) VCF-style: chr3-122003620-A-C.
Other names: c.2849A>C, p.Gln950Pro (NM_001178065.2); short protein forms Q940P, Q950P.
Identifiers: ClinVar variation 999136 (VCV000999136.13), dbSNP rs1293909274, ClinGen allele CA354160835.
Genomic context (GRCh38, chr3:122,284,773, plus strand): 5'-GCGAAGACCCATTCCCACAGCCCGAGAGGCAGAAGCAGCAGCAGCCGCTGGCCCTAACCC[A>C]GCAAGAGCAGCAGCAGCAGCCCCTGACCCTCCCACAGCAGCAACGATCTCAGCAGCAGCC-3'
Protein context (NP_000379.3, residues 930-950): QKQQQPLALT[Gln940Pro]QEQQQQPLTL